The following is an entry in ClinVar:

NM_001378.3(DYNC1I2):c.824G>A (p.Arg275His)

Gene: DYNC1I2 (dynein cytoplasmic 1 intermediate chain 2; plus strand). Cytogenetic location: 2q31.1.
Variant type: single nucleotide variant.
Coding change: c.824G>A on transcript NM_001378.3 (MANE Select); coding-DNA position 824, G replaced by A.
Protein change: p.Arg275His; replaces arginine 275 with histidine.
Molecular consequence: missense variant.
Genome position (GRCh38, 1-based): chr2:171,726,247, G>A. VCF-style: chr2-171726247-G-A. GRCh37 (hg19) VCF-style: chr2-172582757-G-A.
Other names: c.806G>A, p.Arg269His (NM_001320883.2, NM_001378455.1, NM_001378456.1 and 1 more transcripts); c.746G>A, p.Arg249His (NM_001320884.2, NM_001271788.2, NM_001271789.2 and 1 more transcripts); c.824G>A, p.Arg275His (NM_001271785.2); c.800G>A, p.Arg267His (NM_001271786.2, NM_001271787.2); short protein forms R249H, R275H, R267H, R269H.
Identifiers: ClinVar variation 2380729 (VCV002380729.17), dbSNP rs371436419, ClinGen allele CA1965700.
Genomic context (GRCh38, chr2:171,726,247, plus strand): 5'-TTTGTAGAGAGATTCAAGCAGGTGCTAAACTGTCATTAAATCGACAATTTTTTGACGAAC[G>A]TTGGTCAAAGCATCGGGTGGTTAGTTGTTTGGATTGGTCATCTCAGGTAAAATATAACAA-3'
Protein context (NP_001369.1, residues 265-285): LSLNRQFFDE[Arg275His]WSKHRVVSCL

ClinVar aggregate classification (germline): Uncertain significance. Review status: criteria provided, multiple submitters, no conflicts (2 of 4 stars). 2 submissions from 2 submitters: Uncertain significance (2). Last evaluated 2024-09-01.

Allele frequency attached by ClinVar (database versions not stated): ExAC 0.00004; gnomAD 0.00007; ESP Exome Variant Server 0.00008; TOPMed 0.00008; gnomAD exomes 0.00016.
gnomAD v4.1: 256 of 1,612,226 alleles (0.016%); highest among the groups gnomAD compares: Non-Finnish European, 0.02%; no homozygotes.

Submissions (2):

CeGaT Center for Human Genetics Tuebingen
Classification: Uncertain significance. Last evaluated: 2024-09-01. Review status: criteria provided, single submitter. Criteria: CeGaT Center For Human Genetics Tuebingen Variant Classification Criteria Version 2. Collection method: clinical testing. Allele origin: germline. Affected: yes. Observed: 1 variant allele.
Comment: DYNC1I2: PM2

Ambry Genetics
Classification: Uncertain significance. Last evaluated: 2024-05-15. Review status: criteria provided, single submitter. Criteria: Ambry Variant Classification Scheme 2023. Collection method: clinical testing. Allele origin: germline.